The following is an entry in ClinVar:

ClinVar aggregate classification (germline): Benign (1 of 4 stars; one submission).

Allele frequency attached by ClinVar (database versions not stated): gnomAD exomes 0.00005 and 0.00032; ExAC 0.00008; 1000 Genomes Project 30x 0.00016; gnomAD 0.00019 and 0.00020; 1000 Genomes Project 0.00020; TOPMed 0.00020; ESP Exome Variant Server 0.00038.
gnomAD v4.1: 485 of 1,613,086 alleles (0.03%); highest among the groups gnomAD compares: Non-Finnish European, 0.039%; 2 homozygotes.

Submission:

Women's Health and Genetics/Laboratory Corporation of America, LabCorp
Classification: Benign. Last evaluated: 2019-05-28. Review status: criteria provided, single submitter. Criteria: LabCorp Variant Classification Summary - May 2015. Collection method: clinical testing. Allele origin: germline.
Comment: Variant summary: LIG3 c.1332G>A alters a non-conserved nucleotide resulting in a synonymous change. 4/4 computational tools predict no significant impact on normal splicing. However, these predictions have yet to be confirmed by functional studies. The variant allele was found at a frequency of 5.2e-05 in 250040 control chromosomes. The observed variant frequency is approximately 5.2 fold of the estimated maximal expected allele frequency for a pathogenic variant in LIG3 causing Arrhythmia phenotype (1e-05), strongly suggesting that the variant is benign. To our knowledge, no occurrence of c.1332G>A in individuals affected with Arrhythmia and no experimental evidence demonstrating its impact on protein function have been reported. No clinical diagnostic laboratories have submitted clinical-significance assessments for this variant to ClinVar after 2014. Based on the evidence outlined above, the variant was classified as benign.

NM_013975.4(LIG3):c.1332G>A (p.Ser444=)

Gene: LIG3 (DNA ligase 3; plus strand). Cytogenetic location: 17q12.
Variant type: single nucleotide variant.
Coding change: c.1332G>A on transcript NM_013975.4 (MANE Select); coding-DNA position 1332, G replaced by A.
Protein change: p.Ser444=; no amino-acid change (serine 444 retained).
Molecular consequence: synonymous variant.
Genome position (GRCh38, 1-based): chr17:34,992,569, G>A. VCF-style: chr17-34992569-G-A. GRCh37 (hg19) VCF-style: chr17-33319588-G-A.
Other names: c.1332G>A, p.Ser444= (NM_002311.5).
Identifiers: ClinVar variation 929075 (VCV000929075.1), dbSNP rs111958156, ClinGen allele CA8498327.
Genomic context (GRCh38, chr17:34,992,569, plus strand): 5'-TGTACCCCTTGGCAGGTTAGACGCCCTTGACCCCAATGCCTATGAAGCCTTCAAAGCCTC[G>A]CGCAACCTGCAGGATGTGGTGGAGCGGGTCCTTCACAACGCGCAGGAGGTGGAGAAGGAG-3'
Protein context (NP_039269.2, residues 434-454): DPNAYEAFKA[Ser444=]RNLQDVVERV